The following is an entry in ClinVar:

ClinVar aggregate classification (germline): not provided (0 of 4 stars; one submission).

Allele frequency attached by ClinVar (database versions not stated): gnomAD 0.00001.

Submission:

Human Evolutionary Genetics, Institut Pasteur
No classification provided. Review status: no classification provided. Collection method: not provided. Allele origin: germline.
ClinVar note: Converted during submission from untested to not provided.

NM_001384950.1(NLRC5):c.4835+61C>A

Gene: NLRC5 (NLR family CARD domain containing 5; plus strand). Cytogenetic location: 16q13.
Variant type: single nucleotide variant.
Coding change: c.4835+61C>A on transcript NM_001384950.1 (MANE Select); 61 bases into the intron after coding-DNA position 4835, C replaced by A.
Molecular consequence: intron variant.
Genome position (GRCh38, 1-based): chr16:57,076,963, C>A. VCF-style: chr16-57076963-C-A. GRCh37 (hg19) VCF-style: chr16-57110875-C-A.
Other names: c.4751+61C>A (NM_001384954.1); c.4832+61C>A (NM_001384953.1, NM_001384952.1); c.4745+61C>A (NM_001384957.1); c.4748+61C>A (NM_001384956.1, NM_001384951.1, NM_001384955.1 and 1 more transcripts); c.4658+61C>A (NM_001384959.1); c.4835+61C>A (NM_032206.5); c.4661+61C>A (NM_001384958.1); c.4575-333C>A (NM_001384960.1).
Identifiers: ClinVar variation 103200 (VCV000103200.2), dbSNP rs199476012, ClinGen allele CA230249.